The following is an entry in ClinVar:

NM_000235.4(LIPA):c.616G>T (p.Val206Phe)

Gene: LIPA (lipase A, lysosomal acid type; minus strand). Cytogenetic location: 10q23.31.
Variant type: single nucleotide variant.
Coding change: c.616G>T on transcript NM_000235.4 (MANE Select); coding-DNA position 616, G replaced by T.
Protein change: p.Val206Phe; replaces valine 206 with phenylalanine.
Molecular consequence: missense variant.
Genome position (GRCh38, 1-based): chr10:89,225,151, C>A on the plus strand (G>T on the coding strand, the complement: LIPA is on the minus strand). VCF-style: chr10-89225151-C-A. GRCh37 (hg19) VCF-style: chr10-90984908-C-A.
Other names: c.616G>T, p.Val206Phe (NM_001127605.3, NM_001440818.1, NM_001440819.1 and 16 more transcripts); c.268G>T, p.Val90Phe (NM_001288979.2); c.748G>T, p.Val250Phe (NM_001440836.1); c.637G>T, p.Val213Phe (NM_001440837.1); c.631G>T, p.Val211Phe (NM_001440838.1); c.448G>T, p.Val150Phe (NM_001440839.1); short protein forms V150F, V206F, V211F, V213F, V250F, V90F.
Identifiers: ClinVar variation 4859210 (VCV004859210.1).

ClinVar aggregate classification (germline): Uncertain significance (1 of 4 stars; one submission).

Conditions:
Cardiovascular phenotype. Identifiers: MedGen CN230736.

gnomAD v4.1: 1 of 1,613,978 alleles (0.000062%); highest among the groups gnomAD compares: African/African-American, 0.0013%; no homozygotes.

Submission:

Ambry Genetics
Classification: Uncertain significance for Cardiovascular phenotype. Last evaluated: 2026-06-09. Review status: criteria provided, single submitter. Criteria: Ambry Variant Classification Scheme 2023. Collection method: clinical testing. Allele origin: germline.
Comment: The p.V206F variant (also known as c.616G>T), located in coding exon 5 of the LIPA gene, results from a G to T substitution at nucleotide position 616. The valine at codon 206 is replaced by phenylalanine, an amino acid with highly similar properties. This amino acid position is conserved. In addition, this alteration is predicted to be tolerated by in silico analysis. Based on the available evidence, the clinical significance of this variant remains unclear.